The following is an entry in ClinVar:

NM_006421.5(ARFGEF1):c.5229C>T (p.Arg1743=)

Gene: ARFGEF1 (ARF guanine nucleotide exchange factor 1; minus strand). Cytogenetic location: 8q13.2.
Variant type: single nucleotide variant.
Coding change: c.5229C>T on transcript NM_006421.5 (MANE Select); coding-DNA position 5229, C replaced by T.
Protein change: p.Arg1743=; no amino-acid change (arginine 1743 retained).
Molecular consequence: synonymous variant. On other transcripts: non-coding transcript variant (1).
Genome position (GRCh38, 1-based): chr8:67,201,505, G>A on the plus strand (C>T on the coding strand, the complement: ARFGEF1 is on the minus strand). VCF-style: chr8-67201505-G-A. GRCh37 (hg19) VCF-style: chr8-68113740-G-A.
Other names: c.5229C>T, p.Arg1743= (NM_001413184.1, NM_001413187.1, NM_001413194.1); c.5211C>T, p.Arg1737= (NM_001413185.1, NM_001413186.1, NM_001413189.1); c.4629C>T, p.Arg1543= (NM_001413188.1, NM_001413197.1); c.5223C>T, p.Arg1741= (NM_001413190.1); c.5133C>T, p.Arg1711= (NM_001413191.1); c.5115C>T, p.Arg1705= (NM_001413192.1); c.4611C>T, p.Arg1537= (NM_001413193.1); c.3804C>T, p.Arg1268= (NM_001413196.1).
Identifiers: ClinVar variation 4874110 (VCV004874110.2).
Genomic context (GRCh38, chr8:67,201,505, plus strand): 5'-GGAAATCAGTCAAAAGTCTTACTTCAAAAGCCTCTGCTGGACCTCCTCCCAGGCACTAAC[G>A]CGGCTCTCATCCATGTACATCCGGAAGAGAATGCGCAGCCCACAGGCCAGGCTGCTGGTC-3'
Protein context (NP_006412.2, residues 1733-1753): ILFRMYMDES[Arg1743=]VSAWEEVQQR

ClinVar aggregate classification (germline): Likely benign (1 of 4 stars; one submission).

gnomAD v4.1: 27 of 1,611,734 alleles (0.0017%); highest among the groups gnomAD compares: Admixed American, 0.023%; no homozygotes.

Submission:

CeGaT Center for Human Genetics Tuebingen
Classification: Likely benign. Last evaluated: 2026-06-01. Review status: criteria provided, single submitter. Criteria: CeGaT Center For Human Genetics Tuebingen Variant Classification Criteria Version 2. Collection method: clinical testing. Allele origin: germline. Affected: yes. Observed: 1 variant allele.
Comment: ARFGEF1: BP4, BP7